The following is an entry in ClinVar:

ClinVar aggregate classification (germline): Benign/Likely benign. Review status: criteria provided, multiple submitters, no conflicts (2 of 4 stars). 3 submissions from 3 submitters: Benign (1); Likely benign (2). Last evaluated 2026-01-16.

Conditions:
Tuberous sclerosis 2 (TSC2). Identifiers: Orphanet 805, MedGen C1860707, MONDO:0013199, OMIM 613254.
Hereditary cancer-predisposing syndrome. Also called: Neoplastic Syndromes, Hereditary; Hereditary neoplastic syndrome; Tumor predisposition; Hereditary Cancer Syndrome. Identifiers: Orphanet 140162, MedGen C0027672, MeSH D009386, MONDO:0015356.

Allele frequency attached by ClinVar (database versions not stated): gnomAD exomes 0.00002.
gnomAD v4.1: 14 of 1,613,174 alleles (0.00087%); highest among the groups gnomAD compares: Non-Finnish European, 0.0012%; no homozygotes.

Submissions (3):

Labcorp Genetics (formerly Invitae), Labcorp
Classification: Likely benign for Tuberous sclerosis 2. Last evaluated: 2026-01-16. Review status: criteria provided, single submitter. Criteria: Invitae Variant Classification Sherloc (09022015). Collection method: clinical testing. Allele origin: germline.

Myriad Genetics, Inc.
Classification: Benign for Tuberous sclerosis 2. Last evaluated: 2025-05-20. Review status: criteria provided, single submitter. Criteria: Myriad Autosomal Dominant, Autosomal Recessive and X-Linked Classification Criteria (2023). Collection method: clinical testing. Allele origin: unknown.
Comment: This variant is considered benign. This variant is a silent/synonymous amino acid change and it is not expected to impact splicing.

Ambry Genetics
Classification: Likely benign for Hereditary cancer-predisposing syndrome. Last evaluated: 2023-08-30. Review status: criteria provided, single submitter. Criteria: Ambry Variant Classification Scheme 2023. Collection method: clinical testing. Allele origin: germline.

NM_000548.5(TSC2):c.2433C>T (p.Cys811=)

Gene: TSC2 (TSC complex subunit 2; plus strand). Cytogenetic location: 16p13.3.
Variant type: single nucleotide variant.
Coding change: c.2433C>T on transcript NM_000548.5 (MANE Select); coding-DNA position 2433, C replaced by T.
Protein change: p.Cys811=; no amino-acid change (cysteine 811 retained).
Molecular consequence: synonymous variant.
Genome position (GRCh38, 1-based): chr16:2,074,277, C>T. VCF-style: chr16-2074277-C-T. GRCh37 (hg19) VCF-style: chr16-2124278-C-T.
Other names: c.2433C>T, p.Cys811= (NM_001077183.3, NM_001114382.3, NM_001363528.2 and 3 more transcripts); c.2322C>T, p.Cys774= (NM_001318827.2); c.2286C>T, p.Cys762= (NM_001318829.2); c.1833C>T, p.Cys611= (NM_001318831.2); c.2466C>T, p.Cys822= (NM_001318832.2).
Identifiers: ClinVar variation 766731 (VCV000766731.13), dbSNP rs1596356520, ClinGen allele CA492953069.